The following is an entry in ClinVar:

NM_001365536.1(SCN9A):c.4504-8C>A

Genes: SCN1A-AS1 (SCN1A and SCN9A antisense RNA 1; plus strand), SCN9A (sodium voltage-gated channel alpha subunit 9; minus strand). Cytogenetic location: 2q24.3.
Variant type: single nucleotide variant.
Coding change: c.4504-8C>A on transcript NM_001365536.1 (MANE Select); 8 bases into the intron before coding-DNA position 4504, C replaced by A.
Molecular consequence: intron variant.
Genome position (GRCh38, 1-based): chr2:166,204,233, G>T on the plus strand (C>A on the coding strand, the complement: SCN9A is on the minus strand). VCF-style: chr2-166204233-G-T. GRCh37 (hg19) VCF-style: chr2-167060743-G-T.
Other names: c.4471-8C>A (NM_002977.3, NM_002977.4).
Identifiers: ClinVar variation 1661335 (VCV001661335.10), dbSNP rs1225242164, ClinGen allele CA760171942.

ClinVar aggregate classification (germline): Likely benign. Review status: criteria provided, multiple submitters, no conflicts (2 of 4 stars). 3 submissions from 3 submitters: Likely benign (3). Last evaluated 2026-04-15.

Conditions:
SCN9A-related disorder. Also called: SCN9A-related condition; SCN9A-related disorders.
Neuropathy, hereditary sensory and autonomic, type 2A (HSAN2A). Also called: MORVAN DISEASE; NEUROPATHY, CONGENITAL SENSORY; NEUROPATHY, HEREDITARY SENSORY RADICULAR, AUTOSOMAL RECESSIVE; NEUROPATHY, HEREDITARY SENSORY, TYPE IIA; NEUROPATHY, PROGRESSIVE SENSORY, OF CHILDREN; WNK1-Related HSAN2 (HSAN2A). Identifiers: Orphanet 970, MedGen C2752089, MONDO:0024309, OMIM 201300.
Generalized epilepsy with febrile seizures plus, type 7 (GEFSP7). Also called: GEFS+, TYPE 7. Identifiers: Orphanet 36387, MedGen C2751778, MONDO:0013470, OMIM 613863.

Allele frequency attached by ClinVar (database versions not stated): gnomAD exomes below 0.00001; gnomAD 0.00001.
gnomAD v4.1: 3 of 1,605,604 alleles (0.00019%); highest among the groups gnomAD compares: Non-Finnish European, 0.00026%; no homozygotes.

Submissions (3):

Women's Health and Genetics/Laboratory Corporation of America, LabCorp
Classification: Likely benign. Last evaluated: 2026-04-15. Review status: criteria provided, single submitter. Criteria: LabCorp Variant Classification Summary - May 2015. Collection method: clinical testing. Allele origin: germline.

PreventionGenetics, part of Exact Sciences
Classification: Likely benign for SCN9A-related condition. Last evaluated: 2026-04-08. Review status: criteria provided, single submitter. Criteria: ACMG Guidelines, 2015. Collection method: clinical testing. Allele origin: germline.
Comment: This variant is classified as likely benign based on ACMG/AMP sequence variant interpretation guidelines (Richards et al. 2015 PMID: 25741868, with internal and published modifications).

Labcorp Genetics (formerly Invitae), Labcorp
Classification: Likely benign for Neuropathy, hereditary sensory and autonomic, type 2A; Generalized epilepsy with febrile seizures plus, type 7. Last evaluated: 2025-07-14. Review status: criteria provided, single submitter. Criteria: Invitae Variant Classification Sherloc (09022015). Collection method: clinical testing. Allele origin: germline.